The following is an entry in ClinVar:

ClinVar aggregate classification (germline): Uncertain significance (1 of 4 stars; one submission).

Submission:

Labcorp Genetics (formerly Invitae), Labcorp
Classification: Uncertain significance. Last evaluated: 2023-12-09. Review status: criteria provided, single submitter. Criteria: Invitae Variant Classification Sherloc (09022015). Collection method: clinical testing. Allele origin: germline.
Comment: This sequence change replaces methionine, which is neutral and non-polar, with leucine, which is neutral and non-polar, at codon 3467 of the HMCN1 protein (p.Met3467Leu). This variant is not present in population databases (gnomAD no frequency). This variant has not been reported in the literature in individuals affected with HMCN1-related conditions. An algorithm developed to predict the effect of missense changes on protein structure and function (PolyPhen-2) suggests that this variant is likely to be tolerated. In summary, the available evidence is currently insufficient to determine the role of this variant in disease. Therefore, it has been classified as a Variant of Uncertain Significance.

NM_031935.3(HMCN1):c.10399A>T (p.Met3467Leu)

Gene: HMCN1 (hemicentin 1; plus strand). Cytogenetic location: 1q31.1.
Variant type: single nucleotide variant.
Coding change: c.10399A>T on transcript NM_031935.3 (MANE Select); coding-DNA position 10399, A replaced by T.
Protein change: p.Met3467Leu; replaces methionine 3467 with leucine.
Molecular consequence: missense variant.
Genome position (GRCh38, 1-based): chr1:186,095,347, A>T. VCF-style: chr1-186095347-A-T. GRCh37 (hg19) VCF-style: chr1-186064479-A-T.
Other names: short protein forms M3467L.
Identifiers: ClinVar variation 2700161 (VCV002700161.3), dbSNP rs1660077185, ClinGen allele CA343930371.